The following is an entry in ClinVar:

NM_000541.5(SAG):c.804G>T (p.Ala268=)

Gene: SAG (S-antigen visual arrestin; plus strand). Cytogenetic location: 2q37.1.
Variant type: single nucleotide variant.
Coding change: c.804G>T on transcript NM_000541.5 (MANE Select); coding-DNA position 804, G replaced by T.
Protein change: p.Ala268=; no amino-acid change (alanine 268 retained).
Molecular consequence: synonymous variant.
Genome position (GRCh38, 1-based): chr2:233,331,710, G>T. VCF-style: chr2-233331710-G-T. GRCh37 (hg19) VCF-style: chr2-234240356-G-T.
Other names: c.804G>T (NM_000541.4).
Identifiers: ClinVar variation 1136044 (VCV001136044.14), dbSNP rs200634312, ClinGen allele CA2174532.
Genomic context (GRCh38, chr2:233,331,710, plus strand): 5'-GGCCAATGTGGTTCTCTACTCGAGTGATTATTACGTCAAGCCCGTGGCTATGGAGGAAGC[G>T]CAGTGAGTAGCTGTTGGGGTTTCCGTTTCCTGGGCGTCTCAGCCTTCTGTGTCAAGTTTC-3'
Protein context (NP_000532.2, residues 258-278): YYVKPVAMEE[Ala268=]QEKVPPNSTL

ClinVar aggregate classification (germline): Likely benign. Review status: criteria provided, multiple submitters, no conflicts (2 of 4 stars). 5 submissions from 5 submitters: Likely benign (3). 2 of the submissions do not count toward it. Last evaluated 2025-12-26.

Conditions:
SAG-related disorder. Also called: SAG-related condition; SAG-related disorders.

Allele frequency attached by ClinVar (database versions not stated): 1000 Genomes Project 0.00020; ESP Exome Variant Server 0.00024; 1000 Genomes Project 30x 0.00031.
gnomAD v4.1: 349 of 1,611,062 alleles (0.022%); highest among the groups gnomAD compares: Non-Finnish European, 0.029%; 1 homozygote.

Submissions (5):

Labcorp Genetics (formerly Invitae), Labcorp
Classification: Likely benign. Last evaluated: 2025-12-26. Review status: criteria provided, single submitter. Criteria: Invitae Variant Classification Sherloc (09022015). Collection method: clinical testing. Allele origin: germline.

PreventionGenetics, part of Exact Sciences
Classification: Likely benign for SAG-related condition. Last evaluated: 2025-04-14. Review status: criteria provided, single submitter. Criteria: ACMG Guidelines, 2015. Collection method: clinical testing. Allele origin: germline.
Comment: This variant is classified as likely benign based on ACMG/AMP sequence variant interpretation guidelines (Richards et al. 2015 PMID: 25741868, with internal and published modifications).

Blueprint Genetics
Classification: Likely benign. Last evaluated: 2024-09-01. Review status: criteria provided, single submitter. Criteria: ACMG Guidelines, 2015. Collection method: clinical testing. Allele origin: germline.

Clinical Genetics DNA and cytogenetics Diagnostics Lab, Erasmus MC, Erasmus Medical Center
Classification: Likely benign. Review status: no assertion criteria provided. Collection method: clinical testing. Allele origin: germline. Affected: yes. Study: VKGL Data-share Consensus. Not counted in ClinVar's aggregate classification.

Clinical Genetics, Academic Medical Center
Classification: Benign. Review status: no assertion criteria provided. Collection method: clinical testing. Allele origin: germline. Affected: yes. Study: VKGL Data-share Consensus. Not counted in ClinVar's aggregate classification.